The following is an entry in ClinVar:

NM_004064.5(CDKN1B):c.368C>T (p.Ala123Val)

Gene: CDKN1B (cyclin dependent kinase inhibitor 1B; plus strand). Cytogenetic location: 12p13.1.
Variant type: single nucleotide variant.
Coding change: c.368C>T on transcript NM_004064.5 (MANE Select); coding-DNA position 368, C replaced by T.
Protein change: p.Ala123Val; replaces alanine 123 with valine.
Molecular consequence: missense variant.
Genome position (GRCh38, 1-based): chr12:12,718,207, C>T. VCF-style: chr12-12718207-C-T. GRCh37 (hg19) VCF-style: chr12-12871141-C-T.
Other names: short protein forms A123V.
Identifiers: ClinVar variation 824073 (VCV000824073.6), dbSNP rs1427690050, ClinGen allele CA383970453.
Genomic context (GRCh38, chr12:12,718,207, plus strand): 5'-CGCAGGAGAGCCAGGATGTCAGCGGGAGCCGCCCGGCGGCGCCTTTAATTGGGGCTCCGG[C>T]TAACTCTGAGGACACGCATTTGGTGGACCCAAAGACTGATCCGTCGGACAGCCAGACGGG-3'
Protein context (NP_004055.1, residues 113-133): RPAAPLIGAP[Ala123Val]NSEDTHLVDP

ClinVar aggregate classification (germline): Uncertain significance. Review status: criteria provided, multiple submitters, no conflicts (2 of 4 stars). 2 submissions from 2 submitters: Uncertain significance (2). Last evaluated 2024-12-12.

Conditions:
Multiple endocrine neoplasia type 4. Also called: MULTIPLE ENDOCRINE NEOPLASIA, TYPE IV. Identifiers: Orphanet 276152, MedGen C1970712, MONDO:0012552, OMIM 610755.
Hereditary cancer-predisposing syndrome. Also called: Neoplastic Syndromes, Hereditary; Hereditary Cancer Syndrome; Hereditary neoplastic syndrome; Tumor predisposition. Identifiers: Orphanet 140162, MedGen C0027672, MeSH D009386, MONDO:0015356.

Allele frequency attached by ClinVar (database versions not stated): gnomAD exomes below 0.00001.
gnomAD v4.1: 2 of 1,613,056 alleles (0.00012%); highest among the groups gnomAD compares: Non-Finnish European, 0.00017%; no homozygotes.

Submissions (2):

Labcorp Genetics (formerly Invitae), Labcorp
Classification: Uncertain significance for Multiple endocrine neoplasia type 4. Last evaluated: 2024-12-12. Review status: criteria provided, single submitter. Criteria: Invitae Variant Classification Sherloc (09022015). Collection method: clinical testing. Allele origin: germline.
Comment: This sequence change replaces alanine, which is neutral and non-polar, with valine, which is neutral and non-polar, at codon 123 of the CDKN1B protein (p.Ala123Val). This variant is present in population databases (no rsID available, gnomAD 0.0009%). This variant has not been reported in the literature in individuals affected with CDKN1B-related conditions. ClinVar contains an entry for this variant (Variation ID: 824073). An algorithm developed to predict the effect of missense changes on protein structure and function (PolyPhen-2) suggests that this variant is likely to be tolerated. In summary, the available evidence is currently insufficient to determine the role of this variant in disease. Therefore, it has been classified as a Variant of Uncertain Significance.

Ambry Genetics
Classification: Uncertain significance for Hereditary cancer-predisposing syndrome. Last evaluated: 2019-07-11. Review status: criteria provided, single submitter. Criteria: Ambry Variant Classification Scheme 2023. Collection method: clinical testing. Allele origin: germline.
Comment: The p.A123V variant (also known as c.368C>T), located in coding exon 1 of the CDKN1B gene, results from a C to T substitution at nucleotide position 368. The alanine at codon 123 is replaced by valine, an amino acid with similar properties. This amino acid position is not well conserved in available vertebrate species. In addition, this alteration is predicted to be tolerated by in silico analysis. Since supporting evidence is limited at this time, the clinical significance of this alteration remains unclear.